The following is an entry in ClinVar:

ClinVar aggregate classification (germline): Conflicting classifications of pathogenicity. Review status: criteria provided, conflicting classifications (1 of 4 stars). 8 submissions from 8 submitters: Uncertain significance (2); Likely benign (5). 1 of the submissions does not count toward it. Last evaluated 2026-01-15.

Conditions:
Nephronophthisis. Also called: Juvenile Nephronophthisis. Identifiers: Orphanet 655, MedGen C0687120, MONDO:0019005, HP:0000090.
Infantile nephronophthisis (NPHP2). Also called: Nephronophthisis 2, infantile; Nephronophthisis 2. Identifiers: Orphanet 655, Orphanet 93591, MedGen C1865872, MONDO:0011190, OMIM 602088.

Allele frequency attached by ClinVar (database versions not stated): ExAC 0.00083; TOPMed 0.00086; gnomAD exomes 0.00087 and 0.00145; 1000 Genomes Project 30x 0.00094; 1000 Genomes Project 0.00100; ESP Exome Variant Server 0.00115; gnomAD 0.00118.
gnomAD v4.1: 2,277 of 1,614,124 alleles (0.14%); highest among the groups gnomAD compares: Non-Finnish European, 0.17%; 5 homozygotes.

Submissions (8):

Labcorp Genetics (formerly Invitae), Labcorp
Classification: Likely benign for Nephronophthisis. Last evaluated: 2026-01-15. Review status: criteria provided, single submitter. Criteria: Invitae Variant Classification Sherloc (09022015). Collection method: clinical testing. Allele origin: germline.

CeGaT Center for Human Genetics Tuebingen
Classification: Likely benign. Last evaluated: 2025-03-01. Review status: criteria provided, single submitter. Criteria: CeGaT Center For Human Genetics Tuebingen Variant Classification Criteria Version 2. Collection method: clinical testing. Allele origin: germline. Affected: yes. Observed: 1 variant allele.
Comment: INVS: BP4, BP7

Blueprint Genetics
Classification: Likely benign. Last evaluated: 2024-11-19. Review status: criteria provided, single submitter. Criteria: ACMG Guidelines, 2015. Collection method: clinical testing. Allele origin: germline.

Eurofins Ntd Llc (ga)
Classification: Uncertain significance. Last evaluated: 2018-07-16. Review status: criteria provided, single submitter. Criteria: EGL ClinVar v180209 classification definitions. Collection method: clinical testing. Allele origin: germline. Observed: 6 variant alleles, 6 heterozygotes.

Illumina Laboratory Services, Illumina
Classification: Uncertain significance for Infantile nephronophthisis. Last evaluated: 2018-01-13. Review status: criteria provided, single submitter. Criteria: ICSL Variant Classification Criteria 13 December 2019. Collection method: clinical testing. Allele origin: germline.

Clinical Genetics DNA and cytogenetics Diagnostics Lab, Erasmus MC, Erasmus Medical Center
Classification: Likely benign for Infantile nephronophthisis. Last evaluated: 2017-06-28. Review status: criteria provided, single submitter. Criteria: ACGS Guidelines, 2013. Collection method: clinical testing. Allele origin: germline. Affected: yes. Study: VKGL Data-share Consensus.

PreventionGenetics, part of Exact Sciences
Classification: Likely benign. Review status: criteria provided, single submitter. Criteria: ACMG Guidelines, 2015. Collection method: clinical testing. Allele origin: germline.

Clinical Genetics, Academic Medical Center
Classification: Benign. Review status: no assertion criteria provided. Collection method: clinical testing. Allele origin: germline. Affected: yes. Study: VKGL Data-share Consensus. Not counted in ClinVar's aggregate classification.

NM_014425.5(INVS):c.2310C>T (p.His770=)

Gene: INVS (inversin; plus strand). Cytogenetic location: 9q31.1.
Variant type: single nucleotide variant.
Coding change: c.2310C>T on transcript NM_014425.5 (MANE Select); coding-DNA position 2310, C replaced by T.
Protein change: p.His770=; no amino-acid change (histidine 770 retained).
Molecular consequence: synonymous variant. On other transcripts: non-coding transcript variant (1).
Genome position (GRCh38, 1-based): chr9:100,292,567, C>T. VCF-style: chr9-100292567-C-T. GRCh37 (hg19) VCF-style: chr9-103054849-C-T.
Other names: c.2022C>T, p.His674= (NM_001318381.2); c.1332C>T, p.His444= (NM_001318382.2).
Identifiers: ClinVar variation 240911 (VCV000240911.32), dbSNP rs116606949, ClinGen allele CA5158595.